The following is an entry in ClinVar:

NM_000138.5(FBN1):c.5203dup (p.Gln1735fs)

Gene: FBN1 (fibrillin 1; minus strand). Cytogenetic location: 15q21.1.
Variant type: Duplication.
Coding change: c.5203dup on transcript NM_000138.5 (MANE Select); coding-DNA position 5203, one base duplicated (C; older notation c.5203dupC).
Protein change: p.Gln1735fs; shifts the reading frame from glutamine 1735.
Molecular consequence: frameshift variant.
Genome position (GRCh38, 1-based): chr15:48,463,103, G duplicated on the plus strand (C on the coding strand, the reverse complement: FBN1 is on the minus strand). VCF-style (leftmost placement, unchanged base first): chr15-48463102-T-TG. GRCh37 (hg19) VCF-style: chr15-48755299-T-TG.
Other names: c.5203dupC (NM_000138.4); short protein forms Q1735fs.
Identifiers: ClinVar variation 519739 (VCV000519739.19), dbSNP rs1555396760, ClinGen allele CA658798353.
Genomic context (GRCh38, chr15:48,463,102, plus strand): 5'-TTCAACCTATATTTTTGATAATGGAGAAACTAAAACTCACCTGTACTTGGGATGGGACAC[T>TG]GTTCACAGGGCTTGTTCCACGCCCGGCCAATGTTGTAGGAACAGCAGCACATCTTCTTGG-3'

ClinVar aggregate classification (germline): Pathogenic. Review status: criteria provided, multiple submitters, no conflicts (2 of 4 stars). 3 submissions from 3 submitters: Pathogenic (3). Last evaluated 2025-01-28.

Conditions:
Familial thoracic aortic aneurysm and aortic dissection (TAAD). Also called: Thoracic aortic aneurysms and dissections. Identifiers: Orphanet 91387, MedGen C4707243, MONDO:0019625.
Marfan syndrome (MFS). Also called: Marfan syndrome type 1; Marfan syndrome, classic; Marfan's syndrome; FBN1-Related Marfan Syndrome; MARFAN SYNDROME, TYPE I. Identifiers: Orphanet 284963, Orphanet 558, MedGen C0024796, MONDO:0007947, OMIM 154700.

Submissions (3):

Labcorp Genetics (formerly Invitae), Labcorp
Classification: Pathogenic for Marfan syndrome; Familial thoracic aortic aneurysm and aortic dissection. Last evaluated: 2025-01-28. Review status: criteria provided, single submitter. Criteria: Invitae Variant Classification Sherloc (09022015). Collection method: clinical testing. Allele origin: germline.
Comment: This sequence change creates a premature translational stop signal (p.Gln1735Profs*9) in the FBN1 gene. It is expected to result in an absent or disrupted protein product. Loss-of-function variants in FBN1 are known to be pathogenic (PMID: 17657824, 19293843). This variant is not present in population databases (gnomAD no frequency). This variant has not been reported in the literature in individuals affected with FBN1-related conditions. ClinVar contains an entry for this variant (Variation ID: 519739). For these reasons, this variant has been classified as Pathogenic.

Mayo Clinic Laboratories, Mayo Clinic
Classification: Pathogenic. Last evaluated: 2020-07-23. Review status: criteria provided, single submitter. Criteria: ACMG Guidelines, 2015. Collection method: clinical testing. Allele origin: germline. Observed: 1 variant allele.
Comment: PVS1, PM2

Ambry Genetics
Classification: Pathogenic for Familial thoracic aortic aneurysm and aortic dissection. Last evaluated: 2016-09-28. Review status: criteria provided, single submitter. Criteria: Ambry Variant Classification Scheme 2023. Collection method: clinical testing. Allele origin: germline.
Comment: The c.5203dupC pathogenic mutation, located in coding exon 41 of the FBN1 gene, results from a duplication of C at nucleotide position 5203, causing a translational frameshift with a predicted alternate stop codon (p.Q1735Pfs*9). This alteration is expected to result in loss of function by premature protein truncation or nonsense-mediated mRNA decay. As such, this alteration is interpreted as a disease-causing mutation.

Literature cited by the submitters: PubMed 17657824 (cited by Labcorp Genetics (formerly Invitae), Labcorp); PubMed 19293843 (cited by Labcorp Genetics (formerly Invitae), Labcorp); PubMed 18435798 (cited by Mayo Clinic Laboratories, Mayo Clinic); PubMed 21683322 (cited by Mayo Clinic Laboratories, Mayo Clinic).